The following is an entry in ClinVar:

NM_206933.4(USH2A):c.8985C>G (p.Ile2995Met)

Gene: USH2A (usherin; minus strand). Cytogenetic location: 1q41.
Variant type: single nucleotide variant.
Coding change: c.8985C>G on transcript NM_206933.4 (MANE Select); coding-DNA position 8985, C replaced by G.
Protein change: p.Ile2995Met; replaces isoleucine 2995 with methionine.
Molecular consequence: missense variant.
Genome position (GRCh38, 1-based): chr1:215,845,894, G>C on the plus strand (C>G on the coding strand, the complement: USH2A is on the minus strand). VCF-style: chr1-215845894-G-C. GRCh37 (hg19) VCF-style: chr1-216019236-G-C.
Other names: c.8985C>G (NM_206933.2); short protein forms I2995M.
Identifiers: ClinVar variation 1041685 (VCV001041685.7), dbSNP rs901891136, ClinGen allele CA37444404.
Genomic context (GRCh38, chr1:215,845,894, plus strand): 5'-AGTGGTTGCATGAAGTCCTGCACTGTTGATGCTGTGGACTCCATTGAAGACAGAGATAAA[G>C]ATCCAATACTCTGTGTTTGGCTTTAGGTGGCCAATGACATGAGAGTTTACATCTGGCAAG-3'
Protein context (NP_996816.3, residues 2985-3005): GHLKPNTEYW[Ile2995Met]FISVFNGVHS

ClinVar aggregate classification (germline): Uncertain significance. Review status: criteria provided, multiple submitters, no conflicts (2 of 4 stars). 3 submissions from 3 submitters: Uncertain significance (2). 1 of the submissions does not count toward it. Last evaluated 2024-05-13.

Conditions:
Inborn genetic diseases. Identifiers: MedGen C0950123, MeSH D030342.
Usher syndrome type 2A. Also called: USHER SYNDROME, TYPE IIA; RETINAL DISEASE IN USHER SYNDROME TYPE IIA, MODIFIER OF. Identifiers: Orphanet 231178, Orphanet 886, MedGen C1848634, MONDO:0010169, OMIM 276901.

Allele frequency attached by ClinVar (database versions not stated): gnomAD exomes below 0.00001; gnomAD 0.00001; TOPMed 0.00002.
gnomAD v4.1: 3 of 1,613,780 alleles (0.00019%); highest among the groups gnomAD compares: African/African-American, 0.004%; no homozygotes.

Submissions (3):

Ambry Genetics
Classification: Uncertain significance for Inborn genetic diseases. Last evaluated: 2024-05-13. Review status: criteria provided, single submitter. Criteria: Ambry Variant Classification Scheme 2023. Collection method: clinical testing. Allele origin: germline.

Labcorp Genetics (formerly Invitae), Labcorp
Classification: Uncertain significance. Last evaluated: 2022-03-17. Review status: criteria provided, single submitter. Criteria: Invitae Variant Classification Sherloc (09022015). Collection method: clinical testing. Allele origin: germline.
Comment: This sequence change replaces isoleucine, which is neutral and non-polar, with methionine, which is neutral and non-polar, at codon 2995 of the USH2A protein (p.Ile2995Met). This variant is present in population databases (no rsID available, gnomAD 0.01%). This variant has not been reported in the literature in individuals affected with USH2A-related conditions. ClinVar contains an entry for this variant (Variation ID: 1041685). Algorithms developed to predict the effect of missense changes on protein structure and function are either unavailable or do not agree on the potential impact of this missense change (SIFT: "Deleterious"; PolyPhen-2: "Possibly Damaging"; Align-GVGD: "Class C0"). In summary, the available evidence is currently insufficient to determine the role of this variant in disease. Therefore, it has been classified as a Variant of Uncertain Significance.

Natera, Inc.
Classification: Uncertain significance for Usher syndrome type 2A. Last evaluated: 2021-03-28. Review status: no assertion criteria provided. Collection method: clinical testing. Allele origin: germline. Not counted in ClinVar's aggregate classification.